The following is an entry in ClinVar:

ClinVar aggregate classification (germline): Conflicting classifications of pathogenicity. Review status: criteria provided, conflicting classifications (1 of 4 stars). 2 submissions from 2 submitters: Uncertain significance (1); Likely benign (1). Last evaluated 2025-06-08.

Conditions:
Inborn genetic diseases. Identifiers: MedGen C0950123, MeSH D030342.

Allele frequency attached by ClinVar (database versions not stated): gnomAD 0.00001.
gnomAD v4.1: 1 of 1,599,988 alleles (0.000063%); highest among the groups gnomAD compares: Admixed American, 0.0017%; no homozygotes.

Submissions (2):

Ambry Genetics
Classification: Likely benign for Inborn genetic diseases. Last evaluated: 2025-06-08. Review status: criteria provided, single submitter. Criteria: Ambry Variant Classification Scheme 2023. Collection method: clinical testing. Allele origin: germline.

GeneDx
Classification: Uncertain significance. Last evaluated: 2024-03-12. Review status: criteria provided, single submitter. Criteria: GeneDx Variant Classification Process June 2021. Collection method: clinical testing. Allele origin: germline. Affected: yes.
Comment: Not observed at significant frequency in large population cohorts (gnomAD); In silico analysis supports that this missense variant does not alter protein structure/function; Has not been previously published as pathogenic or benign to our knowledge

NM_014915.3(ANKRD26):c.1649G>A (p.Arg550Lys)

Gene: ANKRD26 (ankyrin repeat domain containing 26; minus strand). Cytogenetic location: 10p12.1.
Variant type: single nucleotide variant.
Coding change: c.1649G>A on transcript NM_014915.3 (MANE Select); coding-DNA position 1649, G replaced by A.
Protein change: p.Arg550Lys; replaces arginine 550 with lysine.
Molecular consequence: missense variant.
Genome position (GRCh38, 1-based): chr10:27,048,966, C>T on the plus strand (G>A on the coding strand, the complement: ANKRD26 is on the minus strand). VCF-style: chr10-27048966-C-T. GRCh37 (hg19) VCF-style: chr10-27337895-C-T.
Other names: c.1649G>A, p.Arg550Lys (NM_001256053.2); short protein forms R550K.
Identifiers: ClinVar variation 2505922 (VCV002505922.3), dbSNP rs952789527, ClinGen allele CA204412800.
Genomic context (GRCh38, chr10:27,048,966, plus strand): 5'-TCAGTAGCACCATCATGTATGTTTGCTGATACTTCCATTTCATTATTTCTGTGTTTTTTC[C>T]TTTCTTCTTCAACCTTTAATGAAAGTTTGATACTAAGGAATTGCTATTACTTTATTCAAT-3'
Protein context (NP_055730.2, residues 540-560): ENNQPQVEEE[Arg550Lys]KKHRNNEMEV